The following is an entry in ClinVar:

NM_000059.4(BRCA2):c.4816T>C (p.Ser1606Pro)

Gene: BRCA2 (BRCA2 DNA repair associated; plus strand). Cytogenetic location: 13q13.1.
Variant type: single nucleotide variant.
Coding change: c.4816T>C on transcript NM_000059.4 (MANE Select); coding-DNA position 4816, T replaced by C.
Protein change: p.Ser1606Pro; replaces serine 1606 with proline.
Molecular consequence: missense variant. On other transcripts: non-coding transcript variant (1), intron variant (2).
Genome position (GRCh38, 1-based): chr13:32,339,171, T>C. VCF-style: chr13-32339171-T-C. GRCh37 (hg19) VCF-style: chr13-32913308-T-C.
Other names: c.4816T>C, p.Ser1606Pro (NM_001406719.1, NM_001406720.1, NM_001432077.1); c.1910-5387T>C (NM_001406721.1); c.425-5387T>C (NM_001406722.1); short protein forms S1606P.
Identifiers: ClinVar variation 3482105 (VCV003482105.1).
Genomic context (GRCh38, chr13:32,339,171, plus strand): 5'-ACAGCTGCCCCAAAGTGTAAAGAAATGCAGAATTCTCTCAATAATGATAAAAACCTTGTT[T>C]CTATTGAGACTGTGGTGCCACCTAAGCTCTTAAGTGATAATTTATGTAGACAAACTGAAA-3'
Protein context (NP_000050.3, residues 1596-1616): NSLNNDKNLV[Ser1606Pro]IETVVPPKLL

ClinVar aggregate classification (germline): Uncertain significance (1 of 4 stars; one submission).

Conditions:
Hereditary cancer-predisposing syndrome. Also called: Tumor predisposition; Neoplastic Syndromes, Hereditary; Hereditary Cancer Syndrome; Hereditary neoplastic syndrome. Identifiers: Orphanet 140162, MedGen C0027672, MeSH D009386, MONDO:0015356.

Submission:

Ambry Genetics
Classification: Uncertain significance for Hereditary cancer-predisposing syndrome. Last evaluated: 2024-09-21. Review status: criteria provided, single submitter. Criteria: Ambry Variant Classification Scheme 2023. Collection method: clinical testing. Allele origin: germline.
Comment: The p.S1606P variant (also known as c.4816T>C), located in coding exon 10 of the BRCA2 gene, results from a T to C substitution at nucleotide position 4816. The serine at codon 1606 is replaced by proline, an amino acid with similar properties. This amino acid position is conserved. In addition, this alteration is predicted to be tolerated by in silico analysis. Based on the available evidence, the clinical significance of this variant remains unclear.